The following is an entry in ClinVar:

NM_001736.4(C5AR1):c.101G>A (p.Arg34His)

Gene: C5AR1 (complement C5a receptor 1; plus strand). Cytogenetic location: 19q13.32.
Variant type: single nucleotide variant.
Coding change: c.101G>A on transcript NM_001736.4 (MANE Select); coding-DNA position 101, G replaced by A.
Protein change: p.Arg34His; replaces arginine 34 with histidine.
Molecular consequence: missense variant.
Genome position (GRCh38, 1-based): chr19:47,319,878, G>A. VCF-style: chr19-47319878-G-A. GRCh37 (hg19) VCF-style: chr19-47823135-G-A.
Other names: short protein forms R34H.
Identifiers: ClinVar variation 4981463 (VCV004981463.1).

ClinVar aggregate classification (germline): Uncertain significance (1 of 4 stars; one submission).

Conditions:
C5AR1-related disorder. Also called: C5AR1-related condition.

Submission:

PreventionGenetics, part of Exact Sciences
Classification: Uncertain significance for C5AR1-related condition. Last evaluated: 2026-04-13. Review status: criteria provided, single submitter. Criteria: ACMG Guidelines, 2015. Collection method: clinical testing. Allele origin: germline.
Comment: The C5AR1 c.101G>A variant is predicted to result in the amino acid substitution p.Arg34His. To our knowledge, this variant has not been reported in the literature. This variant is reported in 0.026% of alleles in individuals of European (Non-Finnish) descent in gnomAD, which may be too common to be causative. Although we suspect that this variant may be benign, at this time, the clinical significance of this variant is uncertain due to the absence of conclusive functional and genetic evidence.